The following is an entry in ClinVar:

NM_000059.4(BRCA2):c.7499G>A (p.Arg2500Lys)

Gene: BRCA2 (BRCA2 DNA repair associated; plus strand). Cytogenetic location: 13q13.1.
Variant type: single nucleotide variant.
Coding change: c.7499G>A on transcript NM_000059.4 (MANE Select); coding-DNA position 7499, G replaced by A.
Protein change: p.Arg2500Lys; replaces arginine 2500 with lysine.
Molecular consequence: missense variant.
Genome position (GRCh38, 1-based): chr13:32,356,491, G>A. VCF-style: chr13-32356491-G-A. GRCh37 (hg19) VCF-style: chr13-32930628-G-A.
Other names: short protein forms R2500K.
Identifiers: ClinVar variation 186586 (VCV000186586.19), dbSNP rs80358976, ClinGen allele CA025118.
Genomic context (GRCh38, chr13:32,356,491, plus strand): 5'-TAATTACAAGTCTTCAGAATGCCAGAGATATACAGGATATGCGAATTAAGAAGAAACAAA[G>A]GCAACGCGTCTTTCCACAGCCAGGCAGTCTGTATCTTGCAAAAACATCCACTCTGCCTCG-3'
Protein context (NP_000050.3, residues 2490-2510): IQDMRIKKKQ[Arg2500Lys]QRVFPQPGSL

ClinVar aggregate classification (germline): Conflicting classifications of pathogenicity. Review status: criteria provided, conflicting classifications (1 of 4 stars). 5 submissions from 5 submitters: Uncertain significance (3); Benign (1); Likely benign (1). Last evaluated 2025-12-18.

Conditions:
BRCA2-related cancer predisposition. Identifiers: MedGen CN377758, MONDO:0700269.
Hereditary breast ovarian cancer syndrome. Also called: Hereditary breast and ovarian cancer; Hereditary breast and ovarian cancer syndrome; Breast and ovarian cancer; Hereditary breast and ovarian cancer syndrome (HBOC); Hereditary breast and/or ovarian cancer syndrome; BRCA1- and BRCA2-Associated Hereditary Breast and Ovarian Cancer. Identifiers: Orphanet 145, MedGen C0677776, MeSH D061325, MONDO:0003582. Disease mechanism: loss of function.
Hereditary cancer-predisposing syndrome. Also called: Hereditary Cancer Syndrome; Neoplastic Syndromes, Hereditary; Tumor predisposition; Hereditary neoplastic syndrome. Identifiers: Orphanet 140162, MedGen C0027672, MeSH D009386, MONDO:0015356.
Breast-ovarian cancer, familial, susceptibility to, 2 (BROVCA2). Also called: BRCA2 Hereditary Breast and Ovarian Cancer. Identifiers: Orphanet 145, MedGen C2675520, MONDO:0012933, OMIM 612555. Disease mechanism: loss of function.

gnomAD v4.1: 6 of 1,614,188 alleles (0.00037%); highest among the groups gnomAD compares: African/African-American, 0.0027%; no homozygotes.

Submissions (5):

Labcorp Genetics (formerly Invitae), Labcorp
Classification: Likely benign for Hereditary breast ovarian cancer syndrome. Last evaluated: 2025-12-18. Review status: criteria provided, single submitter. Criteria: Invitae Variant Classification Sherloc (09022015). Collection method: clinical testing. Allele origin: germline.

Ambry Genetics
Classification: Benign for Hereditary cancer-predisposing syndrome. Last evaluated: 2025-05-23. Review status: criteria provided, single submitter. Criteria: Ambry Variant Classification Scheme 2023. Collection method: clinical testing. Allele origin: germline.

All of Us Research Program, National Institutes of Health
Classification: Uncertain significance for BRCA2-related cancer predisposition. Last evaluated: 2024-03-24. Review status: criteria provided, single submitter. Criteria: ACMG Guidelines, 2015. Collection method: clinical testing. Allele origin: germline. Inheritance: Autosomal dominant inheritance. Observed: 3 variant alleles, 3 heterozygotes.
Comment: This missense variant replaces arginine with lysine at codon 2500 of the BRCA2 protein. Computational prediction suggests that this variant may not impact protein structure and function (internally defined REVEL score threshold <= 0.5, PMID: 27666373). To our knowledge, functional studies have not been reported for this variant. This variant has not been reported in individuals affected with BRCA2-related disorders in the literature. This variant has not been identified in the general population by the Genome Aggregation Database (gnomAD). The available evidence is insufficient to determine the role of this variant in disease conclusively. Therefore, this variant is classified as a Variant of Uncertain Significance.

This study involves interpretation of variants in research participants for the purpose of population health screening. Participant phenotype was not available at the time of variant classification. Additional details can be found in publication PMID: 35346344, PMCID: PMC8962531

Color Diagnostics, LLC DBA Color Health
Classification: Uncertain significance for Hereditary cancer-predisposing syndrome. Last evaluated: 2023-10-12. Review status: criteria provided, single submitter. Criteria: ACMG Guidelines, 2015. Collection method: clinical testing. Allele origin: germline.
Comment: This missense variant replaces arginine with lysine at codon 2500 of the BRCA2 protein. Computational prediction suggests that this variant may not impact protein structure and function. To our knowledge, functional studies have not been reported for this variant. This variant has not been reported in individuals affected with BRCA2-related disorders in the literature. This variant has not been identified in the general population by the Genome Aggregation Database (gnomAD). The available evidence is insufficient to determine the role of this variant in disease conclusively. Therefore, this variant is classified as a Variant of Uncertain Significance.

Mendelics
Classification: Uncertain significance for Breast-ovarian cancer, familial, susceptibility to, 2. Last evaluated: 2019-05-28. Review status: criteria provided, single submitter. Criteria: Mendelics Assertion Criteria 2017. Collection method: clinical testing. Allele origin: unknown.